The following is an entry in ClinVar:

ClinVar aggregate classification (germline): Uncertain significance. Review status: criteria provided, multiple submitters, no conflicts (2 of 4 stars). 5 submissions from 4 submitters: Uncertain significance (5). Last evaluated 2025-03-25.

Conditions:
Inborn genetic diseases. Identifiers: MedGen C0950123, MeSH D030342.
Autosomal recessive nonsyndromic hearing loss 12. Also called: DEAFNESS, AUTOSOMAL RECESSIVE 12. Identifiers: Orphanet 90636, MedGen C1832394, MONDO:0011067, OMIM 601386.
Usher syndrome type 1D (USH1D). Also called: USHER SYNDROME, TYPE ID. Identifiers: Orphanet 231169, Orphanet 886, MedGen C1832845, MONDO:0010984, OMIM 601067.

Allele frequency attached by ClinVar (database versions not stated): TOPMed 0.00002.
gnomAD v4.1: 20 of 1,612,948 alleles (0.0012%); highest among the groups gnomAD compares: Non-Finnish European, 0.0017%; no homozygotes.

Submissions (5):

Ambry Genetics
Classification: Uncertain significance for Inborn genetic diseases. Last evaluated: 2025-03-25. Review status: criteria provided, single submitter. Criteria: Ambry Variant Classification Scheme 2023. Collection method: clinical testing. Allele origin: germline.

Labcorp Genetics (formerly Invitae), Labcorp
Classification: Uncertain significance. Last evaluated: 2023-07-07. Review status: criteria provided, single submitter. Criteria: Invitae Variant Classification Sherloc (09022015). Collection method: clinical testing. Allele origin: germline.
Comment: Advanced modeling of protein sequence and biophysical properties (such as structural, functional, and spatial information, amino acid conservation, physicochemical variation, residue mobility, and thermodynamic stability) performed at Invitae indicates that this missense variant is not expected to disrupt CDH23 protein function. ClinVar contains an entry for this variant (Variation ID: 300443). This variant has not been reported in the literature in individuals affected with CDH23-related conditions. The frequency data for this variant in the population databases is considered unreliable, as metrics indicate poor data quality at this position in the gnomAD database. This sequence change replaces asparagine, which is neutral and polar, with lysine, which is basic and polar, at codon 1776 of the CDH23 protein (p.Asn1776Lys). In summary, the available evidence is currently insufficient to determine the role of this variant in disease. Therefore, it has been classified as a Variant of Uncertain Significance.

GeneDx
Classification: Uncertain significance. Last evaluated: 2023-06-16. Review status: criteria provided, single submitter. Criteria: GeneDx Variant Classification Process June 2021. Collection method: clinical testing. Allele origin: germline. Affected: yes.
Comment: Not observed at significant frequency in large population cohorts (gnomAD); In silico analysis supports that this missense variant has a deleterious effect on protein structure/function; Has not been previously published as pathogenic or benign to our knowledge

Illumina Laboratory Services, Illumina
Classification: Uncertain significance for Usher syndrome type 1D. Last evaluated: 2018-01-12. Review status: criteria provided, single submitter. Criteria: ICSL Variant Classification Criteria 13 December 2019. Collection method: clinical testing. Allele origin: germline.

Illumina Laboratory Services, Illumina
Classification: Uncertain significance for Autosomal recessive nonsyndromic hearing loss 12. Last evaluated: 2018-01-12. Review status: criteria provided, single submitter. Criteria: ICSL Variant Classification Criteria 13 December 2019. Collection method: clinical testing. Allele origin: germline.

NM_022124.6(CDH23):c.5328C>A (p.Asn1776Lys)

Gene: CDH23 (cadherin related 23; plus strand). Cytogenetic location: 10q22.1.
Variant type: single nucleotide variant.
Coding change: c.5328C>A on transcript NM_022124.6 (MANE Select); coding-DNA position 5328, C replaced by A.
Protein change: p.Asn1776Lys; replaces asparagine 1776 with lysine.
Molecular consequence: missense variant.
Genome position (GRCh38, 1-based): chr10:71,779,407, C>A. VCF-style: chr10-71779407-C-A. GRCh37 (hg19) VCF-style: chr10-73539164-C-A.
Other names: short protein forms N1776K.
Identifiers: ClinVar variation 300443 (VCV000300443.13), dbSNP rs371522191, ClinGen allele CA10636094.